The following is an entry in ClinVar:

ClinVar aggregate classification (germline): Uncertain significance (1 of 4 stars; one submission).

Conditions:
Microcephaly-congenital cataract-psoriasiform dermatitis syndrome. Also called: SC4MOL DEFICIENCY; Microcephaly, congenital cataract, and psoriasiform dermatitis. Identifiers: Orphanet 488168, MedGen C5567510, MONDO:0014793, OMIM 616834.

Submission:

Laboratorio de Genetica e Diagnostico Molecular, Hospital Israelita Albert Einstein
Classification: Uncertain significance for Microcephaly-congenital cataract-psoriasiform dermatitis syndrome. Last evaluated: 2024-06-14. Review status: criteria provided, single submitter. Criteria: ACMG Guidelines, 2015. Collection method: clinical testing. Allele origin: germline. Affected: yes.
Comment: ACMG classification criteria: PM2 supporting, PP3 supporting

NM_006745.5(MSMO1):c.754T>G (p.Phe252Val)

Gene: MSMO1 (methylsterol monooxygenase 1; plus strand). Cytogenetic location: 4q32.3.
Variant type: single nucleotide variant.
Coding change: c.754T>G on transcript NM_006745.5 (MANE Select); coding-DNA position 754, T replaced by G.
Protein change: p.Phe252Val; replaces phenylalanine 252 with valine.
Molecular consequence: missense variant.
Genome position (GRCh38, 1-based): chr4:165,341,818, T>G. VCF-style: chr4-165341818-T-G. GRCh37 (hg19) VCF-style: chr4-166262970-T-G.
Other names: c.361T>G, p.Phe121Val (NM_001017369.3); short protein forms F121V, F252V.
Identifiers: ClinVar variation 4056627 (VCV004056627.1).
Genomic context (GRCh38, chr4:165,341,818, plus strand): 5'-GATATTCCTCTCAACCCTTTAAATCTGATCCCTTTCTATGCTGGTTCTCGGCATCATGAT[T>G]TCCACCACATGAACTTCATTGGAAACTATGCTTCAACATTTACATGGTGGGATCGAATTT-3'
Protein context (NP_006736.1, residues 242-262): PFYAGSRHHD[Phe252Val]HHMNFIGNYA